The following is an entry in ClinVar:

ClinVar aggregate classification (germline): Benign/Likely benign. Review status: criteria provided, multiple submitters, no conflicts (2 of 4 stars). 2 submissions from 2 submitters: Benign (1); Likely benign (1). Last evaluated 2026-01-12.

gnomAD v4.1: 183 of 1,614,122 alleles (0.011%); highest among the groups gnomAD compares: South Asian, 0.2%; 4 homozygotes.

Submissions (2):

Labcorp Genetics (formerly Invitae), Labcorp
Classification: Benign. Last evaluated: 2026-01-12. Review status: criteria provided, single submitter. Criteria: Invitae Variant Classification Sherloc (09022015). Collection method: clinical testing. Allele origin: germline.

Women's Health and Genetics/Laboratory Corporation of America, LabCorp
Classification: Likely benign. Last evaluated: 2025-11-11. Review status: criteria provided, single submitter. Criteria: LabCorp Variant Classification Summary - May 2015. Collection method: clinical testing. Allele origin: germline.
Comment: Variant summary: CRLF1 c.659C>A (p.Ala220Asp) results in a non-conservative amino acid change in the encoded protein sequence. Algorithms developed to predict the effect of missense changes on protein structure and function all suggest that this variant is likely to be disruptive. The variant allele was found at a frequency of 0.00031 in 251180 control chromosomes, predominantly at a frequency of 0.0025 within the South Asian subpopulation in the gnomAD database, including 2 homozygotes. The observed variant frequency within South Asian control individuals in the gnomAD database exceeds the estimated maximal expected allele frequency for disease-causing variants in CRLF1. To our knowledge, no occurrence of c.659C>A in individuals affected with CRLF1-related conditions and no experimental evidence demonstrating its impact on protein function have been reported. No submitters have cited clinical-significance assessments for this variant to ClinVar. Based on the evidence outlined above, the variant was classified as likely benign.

NM_004750.5(CRLF1):c.659C>A (p.Ala220Asp)

Gene: CRLF1 (cytokine receptor like factor 1; minus strand). Cytogenetic location: 19p13.11.
Variant type: single nucleotide variant.
Coding change: c.659C>A on transcript NM_004750.5 (MANE Select); coding-DNA position 659, C replaced by A.
Protein change: p.Ala220Asp; replaces alanine 220 with aspartic acid.
Molecular consequence: missense variant.
Genome position (GRCh38, 1-based): chr19:18,598,470, G>T on the plus strand (C>A on the coding strand, the complement: CRLF1 is on the minus strand). VCF-style: chr19-18598470-G-T. GRCh37 (hg19) VCF-style: chr19-18709280-G-T.
Other names: short protein forms A220D.
Identifiers: ClinVar variation 4536833 (VCV004536833.2).